The following is an entry in ClinVar:

ClinVar aggregate classification (germline): Conflicting classifications of pathogenicity. Review status: criteria provided, conflicting classifications (1 of 4 stars). 3 submissions from 3 submitters: Uncertain significance (2); Likely benign (1). Last evaluated 2026-01-26.

Conditions:
Kabuki syndrome. Also called: Kabuki make-up syndrome; NIIKAWA-KUROKI SYNDROME. Identifiers: Orphanet 2322, MedGen C0796004, MONDO:0016512.
Inborn genetic diseases. Identifiers: MedGen C0950123, MeSH D030342.

Allele frequency attached by ClinVar (database versions not stated): TOPMed 0.00001.
gnomAD v4.1: 6 of 1,613,324 alleles (0.00037%); highest among the groups gnomAD compares: Non-Finnish European, 0.00051%; no homozygotes.

Submissions (3):

Labcorp Genetics (formerly Invitae), Labcorp
Classification: Likely benign for Kabuki syndrome. Last evaluated: 2026-01-26. Review status: criteria provided, single submitter. Criteria: Invitae Variant Classification Sherloc (09022015). Collection method: clinical testing. Allele origin: germline.

Ambry Genetics
Classification: Uncertain significance for Inborn genetic diseases. Last evaluated: 2024-12-16. Review status: criteria provided, single submitter. Criteria: Ambry Variant Classification Scheme 2023. Collection method: clinical testing. Allele origin: germline.

CeGaT Center for Human Genetics Tuebingen
Classification: Uncertain significance. Last evaluated: 2023-06-01. Review status: criteria provided, single submitter. Criteria: CeGaT Center For Human Genetics Tuebingen Variant Classification Criteria Version 2. Collection method: clinical testing. Allele origin: germline. Affected: yes. Observed: 1 variant allele.
Comment: KMT2D: PM2, BP4

NM_003482.4(KMT2D):c.13764G>C (p.Gln4588His)

Gene: KMT2D (lysine methyltransferase 2D; minus strand). Cytogenetic location: 12q13.12.
Variant type: single nucleotide variant.
Coding change: c.13764G>C on transcript NM_003482.4 (MANE Select); coding-DNA position 13764, G replaced by C.
Protein change: p.Gln4588His; replaces glutamine 4588 with histidine.
Molecular consequence: missense variant.
Genome position (GRCh38, 1-based): chr12:49,030,676, C>G on the plus strand (G>C on the coding strand, the complement: KMT2D is on the minus strand). VCF-style: chr12-49030676-C-G. GRCh37 (hg19) VCF-style: chr12-49424459-C-G.
Other names: short protein forms Q4588H.
Identifiers: ClinVar variation 2077669 (VCV002077669.29), dbSNP rs1044708169, ClinGen allele CA236637830.